The following is an entry in ClinVar:

NM_007194.3(CHEK2):c.909delG

Gene: CHEK2 (checkpoint kinase 2; minus strand). Cytogenetic location: 22q12.1.
Variant type: Deletion.
Coding change: c.909delG on transcript NM_007194.3; coding-DNA position 909, one base deleted (G).
Genome position (GRCh38, 1-based): chr22:28,699,937, C deleted on the plus strand (G on the coding strand, the reverse complement: CHEK2 is on the minus strand); the first of 2 consecutive C bases (chr22:28,699,937-28,699,938); deleting either gives the same sequence. VCF-style (leftmost placement, unchanged base first): chr22-28699936-TC-T. GRCh37 (hg19) VCF-style: chr22-29095924-TC-T.
Identifiers: ClinVar variation 371957 (VCV000371957.8), dbSNP rs1057517596, ClinGen allele CA16042190.

ClinVar aggregate classification (germline): Pathogenic. Review status: criteria provided, single submitter (1 of 4 stars). 2 submissions from 2 submitters: Pathogenic (1). 1 of the submissions does not count toward it. Last evaluated 2023-03-09.

Conditions:
Familial cancer of breast. Also called: hereditary breast carcinoma; Hereditary breast cancer; BREAST CANCER, FAMILIAL. Identifiers: Orphanet 227535, MedGen C0346153, MONDO:0016419, OMIM 114480. Disease mechanism: loss of function.

Submissions (2):

Labcorp Genetics (formerly Invitae), Labcorp
Classification: Pathogenic for Familial cancer of breast. Last evaluated: 2023-03-09. Review status: criteria provided, single submitter. Criteria: Invitae Variant Classification Sherloc (09022015). Collection method: clinical testing. Allele origin: germline.
Comment: This sequence change creates a premature translational stop signal (p.Met304Trpfs*16) in the CHEK2 gene. It is expected to result in an absent or disrupted protein product. Loss-of-function variants in CHEK2 are known to be pathogenic (PMID: 21876083, 24713400). This variant is not present in population databases (gnomAD no frequency). This variant has not been reported in the literature in individuals affected with CHEK2-related conditions. ClinVar contains an entry for this variant (Variation ID: 371957). Algorithms developed to predict the effect of sequence changes on RNA splicing suggest that this variant may disrupt the consensus splice site. For these reasons, this variant has been classified as Pathogenic.

Counsyl
Classification: Likely pathogenic for Familial cancer of breast. Last evaluated: 2016-09-12. Review status: no assertion criteria provided. Collection method: clinical testing. Allele origin: unknown. Not counted in ClinVar's aggregate classification.

Literature cited by the submitters: PubMed 21876083 (cited by Labcorp Genetics (formerly Invitae), Labcorp); PubMed 24713400 (cited by Labcorp Genetics (formerly Invitae), Labcorp).